The following is an entry in ClinVar:

ClinVar aggregate classification (germline): Likely benign (1 of 4 stars; one submission).

gnomAD v4.1: 904 of 1,613,938 alleles (0.056%); highest among the groups gnomAD compares: East Asian, 1.3%; 10 homozygotes.

Submission:

CeGaT Center for Human Genetics Tuebingen
Classification: Likely benign. Last evaluated: 2024-12-01. Review status: criteria provided, single submitter. Criteria: CeGaT Center For Human Genetics Tuebingen Variant Classification Criteria Version 2. Collection method: clinical testing. Allele origin: germline. Affected: yes. Observed: 1 variant allele.
Comment: AFG2B: BS1

NM_024063.3(AFG2B):c.1813A>G (p.Arg605Gly)

Gene: AFG2B (AAA ATPase AFG2B; plus strand). Cytogenetic location: 15q21.1.
Variant type: single nucleotide variant.
Coding change: c.1813A>G on transcript NM_024063.3 (MANE Select); coding-DNA position 1813, A replaced by G.
Protein change: p.Arg605Gly; replaces arginine 605 with glycine.
Molecular consequence: missense variant. On other transcripts: non-coding transcript variant (5).
Genome position (GRCh38, 1-based): chr15:45,415,755, A>G. VCF-style: chr15-45415755-A-G. GRCh37 (hg19) VCF-style: chr15-45707953-A-G.
Other names: c.1813A>G, p.Arg605Gly (NM_001323640.2); short protein forms R605G.
Identifiers: ClinVar variation 3770755 (VCV003770755.13).